The following is an entry in ClinVar:

NM_006648.4(WNK2):c.3344T>C (p.Val1115Ala)

Gene: WNK2 (WNK lysine deficient protein kinase 2; plus strand). Cytogenetic location: 9q22.31.
Variant type: single nucleotide variant.
Coding change: c.3344T>C on transcript NM_006648.4 (MANE Select); coding-DNA position 3344, T replaced by C.
Protein change: p.Val1115Ala; replaces valine 1115 with alanine.
Molecular consequence: missense variant.
Genome position (GRCh38, 1-based): chr9:93,262,091, T>C. VCF-style: chr9-93262091-T-C. GRCh37 (hg19) VCF-style: chr9-96024373-T-C.
Other names: c.3344T>C, p.Val1115Ala (NM_001282394.3); short protein forms V1115A.
Identifiers: ClinVar variation 3982086 (VCV003982086.1).

ClinVar aggregate classification (germline): Uncertain significance (1 of 4 stars; one submission).

gnomAD v4.1: 2 of 1,600,758 alleles (0.00012%); highest among the groups gnomAD compares: African/African-American, 0.0027%; no homozygotes.

Submission:

Ambry Genetics
Classification: Uncertain significance. Last evaluated: 2025-05-20. Review status: criteria provided, single submitter. Criteria: Ambry Variant Classification Scheme 2023. Collection method: clinical testing. Allele origin: germline.
Comment: The p.V1115A variant (also known as c.3344T>C), located in coding exon 12 of the WNK2 gene, results from a T to C substitution at nucleotide position 3344. The valine at codon 1115 is replaced by alanine, an amino acid with similar properties. This amino acid position is conserved. In addition, this alteration is predicted to be tolerated by in silico analysis. Based on the available evidence, the clinical significance of this variant remains unclear.